The following is an entry in ClinVar:

ClinVar aggregate classification (germline): Benign. Review status: criteria provided, single submitter (1 of 4 stars). 2 submissions from 2 submitters: Benign (1). 1 of the submissions does not count toward it. Last evaluated 2025-09-02.

Conditions:
AXL-related disorder. Also called: AXL-related condition.

Allele frequency attached by ClinVar (database versions not stated): gnomAD exomes 0.00035; ExAC 0.00038; 1000 Genomes Project 0.00100; 1000 Genomes Project 30x 0.00109; gnomAD 0.00011 and 0.00027; TOPMed 0.00022.
gnomAD v4.1: 516 of 1,613,980 alleles (0.032%); highest among the groups gnomAD compares: East Asian, 0.9%; 3 homozygotes.

Submissions (2):

Labcorp Genetics (formerly Invitae), Labcorp
Classification: Benign. Last evaluated: 2025-09-02. Review status: criteria provided, single submitter. Criteria: Invitae Variant Classification Sherloc (09022015). Collection method: clinical testing. Allele origin: germline.

PreventionGenetics, part of Exact Sciences
Classification: Likely benign for AXL-related condition. Last evaluated: 2019-12-17. Review status: no assertion criteria provided. Collection method: clinical testing. Allele origin: germline. Not counted in ClinVar's aggregate classification.
Comment: This variant is classified as likely benign based on ACMG/AMP sequence variant interpretation guidelines (Richards et al. 2015 PMID: 25741868, with internal and published modifications).

NM_021913.5(AXL):c.984G>A (p.Thr328=)

Gene: AXL (AXL receptor tyrosine kinase; plus strand). Cytogenetic location: 19q13.2.
Variant type: single nucleotide variant.
Coding change: c.984G>A on transcript NM_021913.5 (MANE Select); coding-DNA position 984, G replaced by A.
Protein change: p.Thr328=; no amino-acid change (threonine 328 retained).
Molecular consequence: synonymous variant.
Genome position (GRCh38, 1-based): chr19:41,238,144, G>A. VCF-style: chr19-41238144-G-A. GRCh37 (hg19) VCF-style: chr19-41744049-G-A.
Other names: c.180G>A, p.Thr60= (NM_001278599.2); c.984G>A, p.Thr328= (NM_001699.6).
Identifiers: ClinVar variation 731261 (VCV000731261.12), dbSNP rs56408665, ClinGen allele CA9458132.